The following is an entry in ClinVar:

ClinVar aggregate classification (germline): Conflicting classifications of pathogenicity. Review status: criteria provided, conflicting classifications (1 of 4 stars). 2 submissions from 2 submitters: Uncertain significance (1); Likely benign (1). Last evaluated 2023-03-23.

Conditions:
Hereditary cancer-predisposing syndrome. Also called: Hereditary neoplastic syndrome; Neoplastic Syndromes, Hereditary; Tumor predisposition; Hereditary Cancer Syndrome. Identifiers: Orphanet 140162, MedGen C0027672, MeSH D009386, MONDO:0015356.
Hereditary breast ovarian cancer syndrome. Also called: Hereditary breast and/or ovarian cancer syndrome; Hereditary breast and ovarian cancer syndrome; Hereditary breast and ovarian cancer syndrome (HBOC); Breast and ovarian cancer; BRCA1- and BRCA2-Associated Hereditary Breast and Ovarian Cancer; Hereditary breast and ovarian cancer. Identifiers: Orphanet 145, MedGen C0677776, MeSH D061325, MONDO:0003582. Disease mechanism: loss of function.

Allele frequency attached by ClinVar (database versions not stated): gnomAD exomes below 0.00001.
gnomAD v4.1: 1 of 1,597,418 alleles (0.000063%); highest among the groups gnomAD compares: Non-Finnish European, 0.000085%; no homozygotes.

Submissions (2):

University of Washington Department of Laboratory Medicine, University of Washington
Classification: Likely benign for Hereditary cancer-predisposing syndrome. Last evaluated: 2023-03-23. Review status: criteria provided, single submitter. Criteria: Dines et al. (Genet Med. 2020). Collection method: curation. Allele origin: germline.
Comment: Missense variant in a coldspot region where missense variants are very unlikely to be pathogenic (PMID:31911673).

BRCA2 exon 11 coldspot. Reclassification based on statistical prior probability.

Labcorp Genetics (formerly Invitae), Labcorp
Classification: Uncertain significance for Hereditary breast ovarian cancer syndrome. Last evaluated: 2020-06-07. Review status: criteria provided, single submitter. Criteria: Invitae Variant Classification Sherloc (09022015). Collection method: clinical testing. Allele origin: germline.
Comment: This sequence change replaces glutamine with glutamic acid at codon 1429 of the BRCA2 protein (p.Gln1429Glu). The glutamine residue is highly conserved and there is a small physicochemical difference between glutamine and glutamic acid. In summary, the available evidence is currently insufficient to determine the role of this variant in disease. Therefore, it has been classified as a Variant of Uncertain Significance. Algorithms developed to predict the effect of missense changes on protein structure and function are either unavailable or do not agree on the potential impact of this missense change (SIFT: "Tolerated"; PolyPhen-2: "Benign"; Align-GVGD: "Class C0"). This variant has not been reported in the literature in individuals with BRCA2-related conditions. This variant is not present in population databases (ExAC no frequency).

NM_000059.4(BRCA2):c.4285C>G (p.Gln1429Glu)

Gene: BRCA2 (BRCA2 DNA repair associated; plus strand). Cytogenetic location: 13q13.1.
Variant type: single nucleotide variant.
Coding change: c.4285C>G on transcript NM_000059.4 (MANE Select); coding-DNA position 4285, C replaced by G.
Protein change: p.Gln1429Glu; replaces glutamine 1429 with glutamic acid.
Molecular consequence: missense variant.
Genome position (GRCh38, 1-based): chr13:32,338,640, C>G. VCF-style: chr13-32338640-C-G. GRCh37 (hg19) VCF-style: chr13-32912777-C-G.
Other names: short protein forms Q1429E.
Identifiers: ClinVar variation 946516 (VCV000946516.11), dbSNP rs80358665, ClinGen allele CA387780634.